The following is an entry in ClinVar:

NM_016507.4(CDK12):c.1810C>T (p.Pro604Ser)

Gene: CDK12 (cyclin dependent kinase 12; plus strand). Cytogenetic location: 17q12.
Variant type: single nucleotide variant.
Coding change: c.1810C>T on transcript NM_016507.4 (MANE Select); coding-DNA position 1810, C replaced by T.
Protein change: p.Pro604Ser; replaces proline 604 with serine.
Molecular consequence: missense variant.
Genome position (GRCh38, 1-based): chr17:39,471,642, C>T. VCF-style: chr17-39471642-C-T. GRCh37 (hg19) VCF-style: chr17-37627895-C-T.
Other names: c.1810C>T, p.Pro604Ser (NM_015083.4); short protein forms P604S.
Identifiers: ClinVar variation 3489164 (VCV003489164.1).

ClinVar aggregate classification (germline): Uncertain significance (1 of 4 stars; one submission).

gnomAD v4.1: 7 of 1,614,002 alleles (0.00043%); highest among the groups gnomAD compares: Middle Eastern, 0.016%; no homozygotes.

Submission:

Ambry Genetics
Classification: Uncertain significance. Last evaluated: 2024-10-04. Review status: criteria provided, single submitter. Criteria: Ambry Variant Classification Scheme 2023. Collection method: clinical testing. Allele origin: germline.
Comment: The p.P604S variant (also known as c.1810C>T), located in coding exon 2 of the CDK12 gene, results from a C to T substitution at nucleotide position 1810. The proline at codon 604 is replaced by serine, an amino acid with similar properties. This amino acid position is conserved. In addition, this alteration is predicted to be tolerated by in silico analysis. Based on the available evidence, the clinical significance of this variant remains unclear.